The following is an entry in ClinVar:

ClinVar aggregate classification (germline): Likely pathogenic (1 of 4 stars; one submission).

Conditions:
Lamellar ichthyosis. Identifiers: Orphanet 313, MedGen C5848247, MONDO:0017778.

Submission:

Women's Health and Genetics/Laboratory Corporation of America, LabCorp
Classification: Likely pathogenic for Lamellar ichthyosis. Last evaluated: 2022-11-09. Review status: criteria provided, single submitter. Criteria: LabCorp Variant Classification Summary - May 2015. Collection method: clinical testing. Allele origin: germline.
Comment: Variant summary: The variant identified by MLPA or other technology involves the deletion of exons 3-6 in the ALOXE3 gene. A presumed nomenclature of c.(147+1_148-1)_(680+1_681-1)del has been designated for the purposes of this classification. Although exact breakpoints of this deletion are not known, it is expected to result in a frameshift in the ALOXE3 gene, a known mechanism of disease. The variant was absent in 21694 control chromosomes (gnomAD, structural variants dataset). To our knowledge, no occurrence of c.(147+1_148-1)_(680+1_681-1)del in individuals affected with Lamellar Ichthyosis and no experimental evidence demonstrating its impact on protein function have been reported. No clinical diagnostic laboratories have submitted clinical-significance assessments for this variant to ClinVar after 2014. Based on the evidence outlined above, the variant was classified as likely pathogenic.

NC_000017.10:g.(8015515_8017801)_(8020299_8021161)del

Gene: ALOXE3 (arachidonate epidermal lipoxygenase 3; minus strand). Cytogenetic location: 17p13.1.
Variant type: Deletion.
Identifiers: ClinVar variation 1804821 (VCV001804821.1).